The following is an entry in ClinVar:

ClinVar aggregate classification (germline): Conflicting classifications of pathogenicity. Review status: criteria provided, conflicting classifications (1 of 4 stars). 2 submissions from 2 submitters: Uncertain significance (1); Likely benign (1). Last evaluated 2023-10-06.

Conditions:
Progressive myoclonic epilepsy type 7. Identifiers: Orphanet 435438, MedGen C4015420, MONDO:0014521, OMIM 616187.

Allele frequency attached by ClinVar (database versions not stated): TOPMed 0.00001; gnomAD 0.00002; gnomAD exomes 0.00002; ExAC 0.00007; 1000 Genomes Project 30x 0.00016; 1000 Genomes Project 0.00020.
gnomAD v4.1: 29 of 1,613,818 alleles (0.0018%); highest among the groups gnomAD compares: East Asian, 0.0045%; no homozygotes.

Submissions (2):

Labcorp Genetics (formerly Invitae), Labcorp
Classification: Uncertain significance for Progressive myoclonic epilepsy type 7. Last evaluated: 2023-10-06. Review status: criteria provided, single submitter. Criteria: Invitae Variant Classification Sherloc (09022015). Collection method: clinical testing. Allele origin: germline.
Comment: This sequence change replaces arginine, which is basic and polar, with histidine, which is basic and polar, at codon 214 of the KCNC1 protein (p.Arg214His). This variant is present in population databases (rs552970887, gnomAD 0.007%). This variant has not been reported in the literature in individuals affected with KCNC1-related conditions. ClinVar contains an entry for this variant (Variation ID: 1940837). Advanced modeling of protein sequence and biophysical properties (such as structural, functional, and spatial information, amino acid conservation, physicochemical variation, residue mobility, and thermodynamic stability) performed at Invitae indicates that this missense variant is not expected to disrupt KCNC1 protein function. In summary, the available evidence is currently insufficient to determine the role of this variant in disease. Therefore, it has been classified as a Variant of Uncertain Significance.

Blueprint Genetics
Classification: Likely benign. Last evaluated: 2022-11-14. Review status: criteria provided, single submitter. Criteria: ACMG Guidelines, 2015. Collection method: clinical testing. Allele origin: germline.

NM_001112741.2(KCNC1):c.641G>A (p.Arg214His)

Gene: KCNC1 (potassium voltage-gated channel subfamily C member 1; plus strand). Cytogenetic location: 11p15.1.
Variant type: single nucleotide variant.
Coding change: c.641G>A on transcript NM_001112741.2 (MANE Select); coding-DNA position 641, G replaced by A.
Protein change: p.Arg214His; replaces arginine 214 with histidine.
Molecular consequence: missense variant.
Genome position (GRCh38, 1-based): chr11:17,771,735, G>A. VCF-style: chr11-17771735-G-A. GRCh37 (hg19) VCF-style: chr11-17793282-G-A.
Other names: c.641G>A, p.Arg214His (NM_004976.4); short protein forms R214H.
Identifiers: ClinVar variation 1940837 (VCV001940837.6), dbSNP rs552970887, ClinGen allele CA5906709.
Genomic context (GRCh38, chr11:17,771,735, plus strand): 5'-TCGCTTCCCTCTTCTTCATCCTGGTCTCCATCACCACCTTCTGCCTGGAGACCCACGAGC[G>A]CTTCAACCCCATCGTGAACAAGACGGAGATCGAGAACGTTCGCAATGGCACGCAAGTGCG-3'
Protein context (NP_001106212.1, residues 204-224): ITTFCLETHE[Arg214His]FNPIVNKTEI